The following is an entry in ClinVar:

NM_001846.4(COL4A2):c.5078T>C (p.Leu1693Pro)

Gene: COL4A2 (collagen type IV alpha 2 chain; plus strand). Cytogenetic location: 13q34.
Variant type: single nucleotide variant.
Coding change: c.5078T>C on transcript NM_001846.4 (MANE Select); coding-DNA position 5078, T replaced by C.
Protein change: p.Leu1693Pro; replaces leucine 1693 with proline.
Molecular consequence: missense variant.
Genome position (GRCh38, 1-based): chr13:110,512,130, T>C. VCF-style: chr13-110512130-T-C. GRCh37 (hg19) VCF-style: chr13-111164477-T-C.
Other names: short protein forms L1693P.
Identifiers: ClinVar variation 3364980 (VCV003364980.1).

ClinVar aggregate classification (germline): Uncertain significance (1 of 4 stars; one submission).

Submission:

GeneDx
Classification: Uncertain significance. Last evaluated: 2023-11-30. Review status: criteria provided, single submitter. Criteria: GeneDx Variant Classification Process June 2021. Collection method: clinical testing. Allele origin: germline. Affected: yes.
Comment: Not observed at significant frequency in large population cohorts (gnomAD); In silico analysis supports that this missense variant has a deleterious effect on protein structure/function; Has not been previously published as pathogenic or benign to our knowledge